The following is an entry in ClinVar:

ClinVar aggregate classification (germline): Uncertain significance (1 of 4 stars; one submission).

Conditions:
Hereditary cancer-predisposing syndrome. Also called: Neoplastic Syndromes, Hereditary; Hereditary neoplastic syndrome; Tumor predisposition; Hereditary Cancer Syndrome. Identifiers: Orphanet 140162, MedGen C0027672, MeSH D009386, MONDO:0015356.

Submission:

Ambry Genetics
Classification: Uncertain significance for Hereditary cancer-predisposing syndrome. Last evaluated: 2026-02-13. Review status: criteria provided, single submitter. Criteria: Ambry Variant Classification Scheme 2023. Collection method: clinical testing. Allele origin: germline.
Comment: The p.T335A variant (also known as c.1003A>G), located in coding exon 6 of the MSH3 gene, results from an A to G substitution at nucleotide position 1003. The threonine at codon 335 is replaced by alanine, an amino acid with similar properties. This amino acid position is highly conserved in available vertebrate species. In addition, this alteration is predicted to be deleterious by in silico analysis. Based on the available evidence, the clinical significance of this variant remains unclear.

NM_002439.5(MSH3):c.1003A>G (p.Thr335Ala)

Genes: MSH3 (mutS homolog 3; plus strand), LOC126807437 (MED14-independent group 3 enhancer GRCh37_chr5:79968379-79969578; plus strand). Cytogenetic location: 5q14.1.
Variant type: single nucleotide variant.
Coding change: c.1003A>G on transcript NM_002439.5 (MANE Select); coding-DNA position 1003, A replaced by G.
Protein change: p.Thr335Ala; replaces threonine 335 with alanine.
Molecular consequence: missense variant.
Genome position (GRCh38, 1-based): chr5:80,672,834, A>G. VCF-style: chr5-80672834-A-G. GRCh37 (hg19) VCF-style: chr5-79968653-A-G.
Other names: short protein forms T335A.
Identifiers: ClinVar variation 4824385 (VCV004824385.1).
Genomic context (GRCh38, chr5:80,672,834, plus strand): 5'-TTAAAGGCCATTGGAGACAACAGAAGTTCACTCTTTTCCCGGAAATTGACTGCCCTTTAT[A>G]CAAAATCTACACTTATTGGAGAAGATATCCTTTTTGGACGGGAGTTTTTCTCTTAAATGA-3'
Protein context (NP_002430.3, residues 325-345): LFSRKLTALY[Thr335Ala]KSTLIGEDVN